The following is an entry in ClinVar:

NM_207361.6(FREM2):c.5768-7C>T

Gene: FREM2 (FRAS1 related extracellular matrix 2; plus strand). Cytogenetic location: 13q13.3.
Variant type: single nucleotide variant.
Coding change: c.5768-7C>T on transcript NM_207361.6 (MANE Select); 7 bases into the intron before coding-DNA position 5768, C replaced by T.
Molecular consequence: intron variant.
Genome position (GRCh38, 1-based): chr13:38,784,550, C>T. VCF-style: chr13-38784550-C-T. GRCh37 (hg19) VCF-style: chr13-39358687-C-T.
Identifiers: ClinVar variation 3029998 (VCV003029998.2), dbSNP rs535025440, ClinGen allele CA6955351.
Genomic context (GRCh38, chr13:38,784,550, plus strand): 5'-ATTGTGTCTGGAAATATCTTTGTCTTATGTTCTACATAAAAATCTTTTGAATTCTCTCTG[C>T]TTCCAGGAACAGCAACTGGAACTGTGCCGACTTCCGTGTTGTCTTACTCTGATTACATAT-3'

ClinVar aggregate classification (germline): Likely benign (0 of 4 stars; one submission).

Conditions:
FREM2-related disorder. Also called: FREM2-related condition.

Allele frequency attached by ClinVar (database versions not stated): gnomAD exomes below 0.00001; ExAC 0.00001; gnomAD 0.00001; 1000 Genomes Project 30x 0.00016; 1000 Genomes Project 0.00020.
gnomAD v4.1: 5 of 1,613,996 alleles (0.00031%); highest among the groups gnomAD compares: Admixed American, 0.0017%; no homozygotes.

Submission:

PreventionGenetics, part of Exact Sciences
Classification: Likely benign for FREM2-related condition. Last evaluated: 2021-04-14. Review status: no assertion criteria provided. Collection method: clinical testing. Allele origin: germline.
Comment: This variant is classified as likely benign based on ACMG/AMP sequence variant interpretation guidelines (Richards et al. 2015 PMID: 25741868, with internal and published modifications).